The following is an entry in ClinVar:

NM_198576.4(AGRN):c.3255C>T (p.Leu1085=)

Gene: AGRN (agrin; plus strand). Cytogenetic location: 1p36.33.
Variant type: single nucleotide variant.
Coding change: c.3255C>T on transcript NM_198576.4 (MANE Select); coding-DNA position 3255, C replaced by T.
Protein change: p.Leu1085=; no amino-acid change (leucine 1085 retained).
Molecular consequence: synonymous variant.
Genome position (GRCh38, 1-based): chr1:1,046,824, C>T. VCF-style: chr1-1046824-C-T. GRCh37 (hg19) VCF-style: chr1-982204-C-T.
Other names: c.3255C>T, p.Leu1085= (NM_001305275.2); c.2940C>T, p.Leu980= (NM_001364727.2).
Identifiers: ClinVar variation 387478 (VCV000387478.8), dbSNP rs775823409, ClinGen allele CA509007.

ClinVar aggregate classification (germline): Likely benign. Review status: criteria provided, multiple submitters, no conflicts (2 of 4 stars). 2 submissions from 2 submitters: Likely benign (2). Last evaluated 2022-08-10.

Conditions:
Congenital myasthenic syndrome 8. Also called: MYASTHENIC SYNDROME, CONGENITAL, DUE TO AGRIN DEFICIENCY; Myasthenic syndrome, congenital, 8, with pre- and postsynaptic defects. Identifiers: Orphanet 590, MedGen C3808739, MONDO:0014052, OMIM 615120.

Allele frequency attached by ClinVar (database versions not stated): gnomAD 0.00001; TOPMed 0.00001.
gnomAD v4.1: 8 of 1,581,996 alleles (0.00051%); highest among the groups gnomAD compares: East Asian, 0.0091%; no homozygotes.

Submissions (2):

Labcorp Genetics (formerly Invitae), Labcorp
Classification: Likely benign for Congenital myasthenic syndrome 8. Last evaluated: 2022-08-10. Review status: criteria provided, single submitter. Criteria: Invitae Variant Classification Sherloc (09022015). Collection method: clinical testing. Allele origin: germline.

GeneDx
Classification: Likely benign. Last evaluated: 2016-07-15. Review status: criteria provided, single submitter. Criteria: GeneDx Variant Classification (06012015). Collection method: clinical testing. Allele origin: germline. Affected: yes.
Comment: This variant is considered likely benign or benign based on one or more of the following criteria: it is a conservative change, it occurs at a poorly conserved position in the protein, it is predicted to be benign by multiple in silico algorithms, and/or has population frequency not consistent with disease.